The following is an entry in ClinVar:

ClinVar aggregate classification (germline): Uncertain significance (1 of 4 stars; one submission).

Submission:

GeneDx
Classification: Uncertain significance. Last evaluated: 2024-01-12. Review status: criteria provided, single submitter. Criteria: GeneDx Variant Classification Process June 2021. Collection method: clinical testing. Allele origin: germline. Affected: yes.
Comment: Not observed at significant frequency in large population cohorts (gnomAD); In silico analysis supports that this missense variant has a deleterious effect on protein structure/function; Has not been previously published as pathogenic or benign to our knowledge

NM_020297.4(ABCC9):c.1823T>C (p.Phe608Ser)

Gene: ABCC9 (ATP binding cassette subfamily C member 9; minus strand). Cytogenetic location: 12p12.1.
Variant type: single nucleotide variant.
Coding change: c.1823T>C on transcript NM_020297.4 (MANE Select); coding-DNA position 1823, T replaced by C.
Protein change: p.Phe608Ser; replaces phenylalanine 608 with serine.
Molecular consequence: missense variant.
Genome position (GRCh38, 1-based): chr12:21,887,914, A>G on the plus strand (T>C on the coding strand, the complement: ABCC9 is on the minus strand). VCF-style: chr12-21887914-A-G. GRCh37 (hg19) VCF-style: chr12-22040848-A-G.
Other names: c.1823T>C, p.Phe608Ser (NM_001377273.1, NM_005691.4); c.959T>C, p.Phe320Ser (NM_001377274.1); short protein forms F320S, F608S.
Identifiers: ClinVar variation 3367924 (VCV003367924.1).